The following is an entry in ClinVar:

ClinVar aggregate classification (germline): Uncertain significance (1 of 4 stars; one submission).

Conditions:
Inborn genetic diseases. Identifiers: MedGen C0950123, MeSH D030342.

Submission:

Ambry Genetics
Classification: Uncertain significance for Inborn genetic diseases. Last evaluated: 2025-03-15. Review status: criteria provided, single submitter. Criteria: Ambry Variant Classification Scheme 2023. Collection method: clinical testing. Allele origin: germline.
Comment: The p.A75G variant (also known as c.224C>G), located in coding exon 1 of the KDM1A gene, results from a C to G substitution at nucleotide position 224. The alanine at codon 75 is replaced by glycine, an amino acid with similar properties. This amino acid position is conserved. In addition, this alteration is predicted to be tolerated by in silico analysis. Based on the available evidence, the clinical significance of this variant remains unclear.

NM_001009999.3(KDM1A):c.224C>G (p.Ala75Gly)

Gene: KDM1A (lysine demethylase 1A; plus strand). Cytogenetic location: 1p36.12.
Variant type: single nucleotide variant.
Coding change: c.224C>G on transcript NM_001009999.3 (MANE Select); coding-DNA position 224, C replaced by G.
Protein change: p.Ala75Gly; replaces alanine 75 with glycine.
Molecular consequence: missense variant.
Genome position (GRCh38, 1-based): chr1:23,019,820, C>G. VCF-style: chr1-23019820-C-G. GRCh37 (hg19) VCF-style: chr1-23346313-C-G.
Other names: c.224C>G, p.Ala75Gly (NM_001363654.2, NM_001410762.1, NM_001410763.1 and 1 more transcripts); short protein forms A75G.
Identifiers: ClinVar variation 4042046 (VCV004042046.1).